The following is an entry in ClinVar:

ClinVar aggregate classification (germline): Uncertain significance (1 of 4 stars; one submission).

Allele frequency attached by ClinVar (database versions not stated): ExAC 0.00001.
gnomAD v4.1: 1 of 1,614,092 alleles (0.000062%); highest among the groups gnomAD compares: African/African-American, 0.0013%; no homozygotes.

Submission:

Ambry Genetics
Classification: Uncertain significance. Last evaluated: 2022-03-23. Review status: criteria provided, single submitter. Criteria: Ambry Variant Classification Scheme 2023. Collection method: clinical testing. Allele origin: germline.
Comment: The p.A605V variant (also known as c.1814C>T), located in coding exon 16 of the RAD54L gene, results from a C to T substitution at nucleotide position 1814. The alanine at codon 605 is replaced by valine, an amino acid with similar properties. This amino acid position is conserved. In addition, this alteration is predicted to be deleterious by in silico analysis. Since supporting evidence is limited at this time, the clinical significance of this alteration remains unclear.

NM_003579.4(RAD54L):c.1814C>T (p.Ala605Val)

Gene: RAD54L (RAD54 like; plus strand). Cytogenetic location: 1p34.1.
Variant type: single nucleotide variant.
Coding change: c.1814C>T on transcript NM_003579.4 (MANE Select); coding-DNA position 1814, C replaced by T.
Protein change: p.Ala605Val; replaces alanine 605 with valine.
Molecular consequence: missense variant.
Genome position (GRCh38, 1-based): chr1:46,274,662, C>T. VCF-style: chr1-46274662-C-T. GRCh37 (hg19) VCF-style: chr1-46740334-C-T.
Other names: c.1814C>T, p.Ala605Val (NM_001142548.2); c.1274C>T, p.Ala425Val (NM_001370766.1); short protein forms A425V, A605V.
Identifiers: ClinVar variation 1780639 (VCV001780639.2), dbSNP rs766610626, ClinGen allele CA834720.